The following is an entry in ClinVar:

ClinVar aggregate classification (germline): Uncertain significance (1 of 4 stars; one submission).

Allele frequency attached by ClinVar (database versions not stated): ExAC 0.00001.

Submission:

Labcorp Genetics (formerly Invitae), Labcorp
Classification: Uncertain significance. Last evaluated: 2022-03-15. Review status: criteria provided, single submitter. Criteria: Invitae Variant Classification Sherloc (09022015). Collection method: clinical testing. Allele origin: germline.
Comment: In summary, the available evidence is currently insufficient to determine the role of this variant in disease. Therefore, it has been classified as a Variant of Uncertain Significance. Algorithms developed to predict the effect of missense changes on protein structure and function (SIFT, PolyPhen-2, Align-GVGD) all suggest that this variant is likely to be tolerated. This variant has not been reported in the literature in individuals affected with THBD-related conditions. This variant is present in population databases (rs751668090, gnomAD 0.0009%). This sequence change replaces threonine, which is neutral and polar, with isoleucine, which is neutral and non-polar, at codon 384 of the THBD protein (p.Thr384Ile).

NM_000361.3(THBD):c.1151C>T (p.Thr384Ile)

Gene: THBD (thrombomodulin; minus strand). Cytogenetic location: 20p11.21.
Variant type: single nucleotide variant.
Coding change: c.1151C>T on transcript NM_000361.3 (MANE Select); coding-DNA position 1151, C replaced by T.
Protein change: p.Thr384Ile; replaces threonine 384 with isoleucine.
Molecular consequence: missense variant.
Genome position (GRCh38, 1-based): chr20:23,048,354, G>A on the plus strand (C>T on the coding strand, the complement: THBD is on the minus strand). VCF-style: chr20-23048354-G-A. GRCh37 (hg19) VCF-style: chr20-23028991-G-A.
Other names: short protein forms T384I.
Identifiers: ClinVar variation 2112547 (VCV002112547.4), dbSNP rs751668090, ClinGen allele CA9787611.
Genomic context (GRCh38, chr20:23,048,354, plus strand): 5'-CACCTGTGCGGCTCGTGGGGAATGGGCGCGAAGCCCTCGGCGCAGACGCAGAGGTAGCTA[G>A]TTTGGTTCAGGGGCTGGCACTGGTACTCGCAGTTGGCTCTGAAGCACGGGTCCACGGGCT-3'
Protein context (NP_000352.1, residues 374-394): CEYQCQPLNQ[Thr384Ile]SYLCVCAEGF